The following is an entry in ClinVar:

NM_002417.5(MKI67):c.4865C>T (p.Pro1622Leu)

Gene: MKI67 (marker of proliferation Ki-67; minus strand). Cytogenetic location: 10q26.2.
Variant type: single nucleotide variant.
Coding change: c.4865C>T on transcript NM_002417.5 (MANE Select); coding-DNA position 4865, C replaced by T.
Protein change: p.Pro1622Leu; replaces proline 1622 with leucine.
Molecular consequence: missense variant.
Genome position (GRCh38, 1-based): chr10:128,106,975, G>A on the plus strand (C>T on the coding strand, the complement: MKI67 is on the minus strand). VCF-style: chr10-128106975-G-A. GRCh37 (hg19) VCF-style: chr10-129905239-G-A.
Other names: c.3785C>T, p.Pro1262Leu (NM_001145966.2); short protein forms P1622L, P1262L.
Identifiers: ClinVar variation 771887 (VCV000771887.5), dbSNP rs2782871, ClinGen allele CA5746753.
Genomic context (GRCh38, chr10:128,106,975, plus strand): 5'-ACGCCCACTTTCCCCAGGGATGTCTTGAGCCGTCGCTTGGAGCTTGCTGGGTTTTTGTCT[G>A]GGTCTGGTTGTGAAGATTTGCAGGCTACTTTGGCAGTTTTATCGTTAGTCATTGATTCCT-3'
Protein context (NP_002408.3, residues 1612-1632): KVACKSSQPD[Pro1622Leu]DKNPASSKRR

ClinVar aggregate classification (germline): Likely benign. Review status: criteria provided, multiple submitters, no conflicts (2 of 4 stars). 3 submissions from 3 submitters: Likely benign (3). Last evaluated 2022-07-06.

Conditions:
MKI67-related disorder. Also called: MKI67-related condition.

Allele frequency attached by ClinVar (database versions not stated): 1000 Genomes Project 0.00080; 1000 Genomes Project 30x 0.00094; ExAC 0.00185; gnomAD 0.00213 and 0.00222; TOPMed 0.00243; ESP Exome Variant Server 0.00246.
gnomAD v4.1: 6,709 of 1,613,876 alleles (0.42%); highest among the groups gnomAD compares: Non-Finnish European, 0.53%; 25 homozygotes.

Submissions (3):

PreventionGenetics, part of Exact Sciences
Classification: Likely benign for MKI67-related condition. Last evaluated: 2022-07-06. Review status: criteria provided, single submitter. Criteria: ACMG Guidelines, 2015. Collection method: clinical testing. Allele origin: germline.
Comment: This variant is classified as likely benign based on ACMG/AMP sequence variant interpretation guidelines (Richards et al. 2015 PMID: 25741868, with internal and published modifications).

Labcorp Genetics (formerly Invitae), Labcorp
Classification: Likely benign. Last evaluated: 2018-06-13. Review status: criteria provided, single submitter. Criteria: Invitae Variant Classification Sherloc (09022015). Collection method: clinical testing. Allele origin: germline.

Breakthrough Genomics
Classification: Likely benign. Review status: criteria provided, single submitter. Criteria: ACMG Guidelines, 2015. Collection method: not provided. Allele origin: germline. Inheritance: Unknown mechanism. Affected: yes.